The following is an entry in ClinVar:

NM_002335.4(LRP5):c.4488+13_4488+33dup

Gene: LRP5 (LDL receptor related protein 5; plus strand). Cytogenetic location: 11q13.2.
Variant type: Duplication.
Coding change: c.4488+13_4488+33dup on transcript NM_002335.4 (MANE Select); bases 13 to 33 of the intron after coding-DNA position 4488, 21 bases duplicated (GCCGGGGAGGGGCGGGGCGGG).
Molecular consequence: intron variant.
Genome position (GRCh38, 1-based): chr11:68,439,929-68,439,949, GCCGGGGAGGGGCGGGGCGGG duplicated; duplicating any 21 consecutive bases within chr11:68,439,921-68,439,949 gives the same sequence; the c. name uses the placement nearest the transcript's 3' end. VCF-style (leftmost placement, unchanged base first): chr11-68439920-A-AGGGGCGGGGCCGGGGAGGGGC. GRCh37 (hg19) VCF-style: chr11-68207388-A-AGGGGCGGGGCCGGGGAGGGGC.
Other names: c.2745+13_2745+33dup (NM_001291902.2).
Identifiers: ClinVar variation 4697400 (VCV004697400.1).

ClinVar aggregate classification (germline): Uncertain significance (1 of 4 stars; one submission).

Submission:

Labcorp Genetics (formerly Invitae), Labcorp
Classification: Uncertain significance. Last evaluated: 2025-06-16. Review status: criteria provided, single submitter. Criteria: Invitae Variant Classification Sherloc (09022015). Collection method: clinical testing. Allele origin: germline.
Comment: This sequence change falls in intron 21 of the LRP5 gene. It does not directly change the encoded amino acid sequence of the LRP5 protein. The frequency data for this variant in the population databases is considered unreliable, as metrics indicate poor data quality at this position in the gnomAD database. This variant has not been reported in the literature in individuals affected with LRP5-related conditions. In summary, the available evidence is currently insufficient to determine the role of this variant in disease. Therefore, it has been classified as a Variant of Uncertain Significance.